The following is an entry in ClinVar:

ClinVar aggregate classification (germline): Pathogenic/Likely pathogenic. Review status: criteria provided, multiple submitters, no conflicts (2 of 4 stars). 2 submissions from 2 submitters: Pathogenic (1); Likely pathogenic (1). Last evaluated 2024-04-08.

Conditions:
Lysinuric protein intolerance (LPI). Identifiers: Orphanet 470, MedGen C0268647, MONDO:0009109, OMIM 222700.

Submissions (2):

Natera, Inc.
Classification: Likely pathogenic for Lysinuric protein intolerance. Last evaluated: 2024-04-08. Review status: criteria provided, single submitter. Criteria: Natera Variant Classification Schema (03/2026). Collection method: clinical testing. Allele origin: germline.
Comment: The c.573delA variant in SLC7A7 is a frameshift variant predicted to shift the reading frame beginning at codon 192 and leads to a stop codon 4 codons downstream. This variant is expected to result in nonsense mediated decay, truncation, or a dysfunctional protein product. This variant is rare in the general population with a frequency below the threshold expected for the associated phenotype(s). Given the available evidence, this variant is classified as Likely Pathogenic.

Labcorp Genetics (formerly Invitae), Labcorp
Classification: Pathogenic for Lysinuric protein intolerance. Last evaluated: 2023-12-15. Review status: criteria provided, single submitter. Criteria: Invitae Variant Classification Sherloc (09022015). Collection method: clinical testing. Allele origin: germline.
Comment: This sequence change creates a premature translational stop signal (p.Val192Tyrfs*4) in the SLC7A7 gene. It is expected to result in an absent or disrupted protein product. Loss-of-function variants in SLC7A7 are known to be pathogenic (PMID: 10631139, 17764084). This variant is not present in population databases (gnomAD no frequency). This variant has not been reported in the literature in individuals affected with SLC7A7-related conditions. For these reasons, this variant has been classified as Pathogenic.

Literature cited by the submitters: PubMed 10631139 (cited by Labcorp Genetics (formerly Invitae), Labcorp); PubMed 17764084 (cited by Labcorp Genetics (formerly Invitae), Labcorp).

NM_003982.4(SLC7A7):c.573del (p.Val192fs)

Gene: SLC7A7 (solute carrier family 7 member 7; minus strand). Cytogenetic location: 14q11.2.
Variant type: Deletion.
Coding change: c.573del on transcript NM_003982.4 (MANE Select); coding-DNA position 573, one base deleted (A; older notation c.573delA).
Protein change: p.Val192fs; shifts the reading frame from valine 192.
Molecular consequence: frameshift variant.
Genome position (GRCh38, 1-based): chr14:22,779,978, T deleted on the plus strand (A on the coding strand, the reverse complement: SLC7A7 is on the minus strand); the first of 3 consecutive T bases (chr14:22,779,978-22,779,980); deleting any one gives the same sequence. VCF-style (leftmost placement, unchanged base first): chr14-22779977-CT-C. GRCh37 (hg19) VCF-style: chr14-23249186-CT-C.
Other names: c.573del, p.Val192fs (NM_001126105.3, NM_001126106.4); c.573delA (NM_001126106.2); short protein forms V192fs.
Identifiers: ClinVar variation 2678975 (VCV002678975.6), dbSNP rs2501863948, ClinGen allele CA2575479440.